The following is an entry in ClinVar:

NM_000260.4(MYO7A):c.2738T>C (p.Leu913Pro)

Gene: MYO7A (myosin VIIA; plus strand). Cytogenetic location: 11q13.5.
Variant type: single nucleotide variant.
Coding change: c.2738T>C on transcript NM_000260.4 (MANE Select); coding-DNA position 2738, T replaced by C.
Protein change: p.Leu913Pro; replaces leucine 913 with proline.
Molecular consequence: missense variant.
Genome position (GRCh38, 1-based): chr11:77,181,423, T>C. VCF-style: chr11-77181423-T-C. GRCh37 (hg19) VCF-style: chr11-76892469-T-C.
Other names: c.2738T>C, p.Leu913Pro (NM_001127180.2); c.2705T>C, p.Leu902Pro (NM_001369365.1); short protein forms L902P, L913P.
Identifiers: ClinVar variation 3603030 (VCV003603030.3).

ClinVar aggregate classification (germline): Uncertain significance. Review status: criteria provided, multiple submitters, no conflicts (2 of 4 stars). 3 submissions from 3 submitters: Uncertain significance (3). Last evaluated 2026-02-23.

Conditions:
Inborn genetic diseases. Identifiers: MedGen C0950123, MeSH D030342.

gnomAD v4.1: 2 of 1,593,030 alleles (0.00013%); highest among the groups gnomAD compares: Non-Finnish European, 0.00017%; no homozygotes.

Submissions (3):

Ambry Genetics
Classification: Uncertain significance for Inborn genetic diseases. Last evaluated: 2026-02-23. Review status: criteria provided, single submitter. Criteria: Ambry Variant Classification Scheme 2023. Collection method: clinical testing. Allele origin: germline.

GeneDx
Classification: Uncertain significance. Last evaluated: 2024-08-06. Review status: criteria provided, single submitter. Criteria: GeneDx Variant Classification Process June 2021. Collection method: clinical testing. Allele origin: germline. Affected: yes.
Comment: Not observed at significant frequency in large population cohorts (gnomAD); In silico analysis supports that this missense variant has a deleterious effect on protein structure/function; Has not been previously published as pathogenic or benign to our knowledge

Blueprint Genetics
Classification: Uncertain significance. Last evaluated: 2022-05-17. Review status: criteria provided, single submitter. Criteria: ACMG Guidelines, 2015. Collection method: clinical testing. Allele origin: germline.